The following is an entry in ClinVar:

ClinVar aggregate classification (germline): Pathogenic (1 of 4 stars; one submission).

Conditions:
Galactosylceramide beta-galactosidase deficiency. Also called: GALACTOCEREBROSIDASE DEFICIENCY; GALC DEFICIENCY; GLOBOID CELL LEUKOENCEPHALOPATHY; Krabbe Disease; Leukodystrophy, Globoid Cell. Identifiers: Orphanet 487, MedGen C0023521, MONDO:0009499, OMIM 245200.

Submission:

Labcorp Genetics (formerly Invitae), Labcorp
Classification: Pathogenic for Galactosylceramide beta-galactosidase deficiency. Last evaluated: 2020-08-14. Review status: criteria provided, single submitter. Criteria: Invitae Variant Classification Sherloc (09022015). Collection method: clinical testing. Allele origin: germline.
Comment: This sequence change creates a premature translational stop signal (p.Thr471Argfs*75) in the GALC gene. It is expected to result in an absent or disrupted protein product. This variant is not present in population databases (ExAC no frequency). This variant has not been reported in the literature in individuals with GALC-related conditions. Loss-of-function variants in GALC are known to be pathogenic (PMID: 7437911, 9272171, 16607461). For these reasons, this variant has been classified as Pathogenic.

Literature cited by the submitters: PubMed 7437911; PubMed 9272171; PubMed 16607461.

NM_000153.4(GALC):c.1411_1432del (p.Thr471fs)

Gene: GALC (galactosylceramidase; minus strand). Cytogenetic location: 14q31.3.
Variant type: Deletion.
Coding change: c.1411_1432del on transcript NM_000153.4 (MANE Select); coding-DNA positions 1411 to 1432, 22 bases deleted (ACTGGTCGCAAAGGCAGCTACC).
Protein change: p.Thr471fs; shifts the reading frame from threonine 471.
Molecular consequence: frameshift variant.
Genome position (GRCh38, 1-based): chr14:87,947,785-87,947,806, GGTAGCTGCCTTTGCGACCAGT deleted on the plus strand (ACTGGTCGCAAAGGCAGCTACC on the coding strand, the reverse complement: GALC is on the minus strand); deleting any 22 consecutive bases within chr14:87,947,785-87,947,809 gives the same sequence; the c. name uses the placement nearest the transcript's 3' end. VCF-style (leftmost placement, unchanged base first): chr14-87947784-GGGTAGCTGCCTTTGCGACCAGT-G. GRCh37 (hg19) VCF-style: chr14-88414128-GGGTAGCTGCCTTTGCGACCAGT-G.
Other names: c.1342_1363del, p.Thr448fs (NM_001201401.2); c.1333_1354del, p.Thr445fs (NM_001201402.2); short protein forms T445fs, T448fs, T471fs.
Identifiers: ClinVar variation 1074198 (VCV001074198.7), dbSNP rs2139956480, ClinGen allele CA2499222756.
Genomic context (GRCh38, chr14:87,947,784, plus strand): 5'-TCACCAACATTGAAATCATCCTTATAGGTACTTGGGAAGGGCTGGGATTTTGGAGGAAGC[GGGTAGCTGCCTTTGCGACCAGT>G]GGTGAGAGTGGTGAGTGTGAACAGCTCATCTTCATGCAGGCTCAGTGTGAAACTGCCATC-3'